The following is an entry in ClinVar:

NM_032898.5(CEP19):c.152_153del (p.Gln51fs)

Gene: CEP19 (centrosomal protein 19; minus strand). Cytogenetic location: 3q29.
Variant type: Deletion.
Coding change: c.152_153del on transcript NM_032898.5 (MANE Select); coding-DNA positions 152 to 153, 2 bases deleted (AA; older notation c.152_153delAA).
Protein change: p.Gln51fs; shifts the reading frame from glutamine 51.
Molecular consequence: frameshift variant.
Genome position (GRCh38, 1-based): chr3:196,707,890-196,707,891, TT deleted on the plus strand (AA on the coding strand, the reverse complement: CEP19 is on the minus strand). VCF-style (leftmost placement, unchanged base first): chr3-196707889-ATT-A. GRCh37 (hg19) VCF-style: chr3-196434760-ATT-A.
Other names: c.47_48del, p.Gln16fs (NM_001379468.1); c.152_153del, p.Gln51fs (NM_001379469.1, NM_001379470.1); short protein forms Q16fs, Q51fs.
Identifiers: ClinVar variation 1476210 (VCV001476210.6), dbSNP rs984263685, ClinGen allele CA90867571.

ClinVar aggregate classification (germline): Uncertain significance (1 of 4 stars; one submission).

Allele frequency attached by ClinVar (database versions not stated): TOPMed below 0.00001; gnomAD 0.00001.

Submission:

Labcorp Genetics (formerly Invitae), Labcorp
Classification: Uncertain significance. Last evaluated: 2022-03-10. Review status: criteria provided, single submitter. Criteria: Invitae Variant Classification Sherloc (09022015). Collection method: clinical testing. Allele origin: germline.
Comment: This sequence change creates a premature translational stop signal (p.Gln55Leufs*4) in the CEP19 gene. While this is not anticipated to result in nonsense mediated decay, it is expected to disrupt the last 113 amino acid(s) of the CEP19 protein. This variant is not present in population databases (gnomAD no frequency). This variant has not been reported in the literature in individuals affected with CEP19-related conditions. In summary, the available evidence is currently insufficient to determine the role of this variant in disease. Therefore, it has been classified as a Variant of Uncertain Significance.